The following is an entry in ClinVar:

ClinVar aggregate classification (germline): Likely benign. Review status: criteria provided, single submitter (1 of 4 stars). 2 submissions from 2 submitters: Likely benign (1). 1 of the submissions does not count toward it. Last evaluated 2024-08-19.

Conditions:
EP300-related disorder. Also called: EP300-related disorders; EP300-related condition.
Rubinstein-Taybi syndrome due to EP300 haploinsufficiency. Also called: EP300-Related Rubinstein-Taybi Syndrome; RUBINSTEIN-TAYBI SYNDROME 2. Identifiers: Orphanet 353284, Orphanet 783, MedGen C3150941, MONDO:0013364, OMIM 613684.

gnomAD v4.1: 40 of 1,614,000 alleles (0.0025%); highest among the groups gnomAD compares: Non-Finnish European, 0.0031%; no homozygotes.

Submissions (2):

Labcorp Genetics (formerly Invitae), Labcorp
Classification: Likely benign for Rubinstein-Taybi syndrome due to EP300 haploinsufficiency. Last evaluated: 2024-08-19. Review status: criteria provided, single submitter. Criteria: Invitae Variant Classification Sherloc (09022015). Collection method: clinical testing. Allele origin: germline.

PreventionGenetics, part of Exact Sciences
Classification: Uncertain significance for EP300-related condition. Last evaluated: 2023-11-14. Review status: no assertion criteria provided. Collection method: clinical testing. Allele origin: germline. Not counted in ClinVar's aggregate classification.
Comment: The EP300 c.6508A>G variant is predicted to result in the amino acid substitution p.Met2170Val. To our knowledge, this variant has not been reported in the literature in patients with EP300-associated phenotypes. This variant is reported in 0.0033% of alleles in individuals of South Asian descent in gnomAD. At this time, the clinical significance of this variant is uncertain due to the absence of conclusive functional and genetic evidence.

NM_001429.4(EP300):c.6508A>G (p.Met2170Val)

Gene: EP300 (EP300 lysine acetyltransferase; plus strand). Cytogenetic location: 22q13.2.
Variant type: single nucleotide variant.
Coding change: c.6508A>G on transcript NM_001429.4 (MANE Select); coding-DNA position 6508, A replaced by G.
Protein change: p.Met2170Val; replaces methionine 2170 with valine.
Molecular consequence: missense variant.
Genome position (GRCh38, 1-based): chr22:41,178,219, A>G. VCF-style: chr22-41178219-A-G. GRCh37 (hg19) VCF-style: chr22-41574223-A-G.
Other names: c.6430A>G, p.Met2144Val (NM_001362843.2); short protein forms M2144V, M2170V.
Identifiers: ClinVar variation 3058372 (VCV003058372.4), dbSNP rs1419903766, ClinGen allele CA411682125.